The following is an entry in ClinVar:

NM_000834.5(GRIN2B):c.23G>C (p.Cys8Ser)

Gene: GRIN2B (glutamate ionotropic receptor NMDA type subunit 2B; minus strand). Cytogenetic location: 12p13.1.
Variant type: single nucleotide variant.
Coding change: c.23G>C on transcript NM_000834.5 (MANE Select); coding-DNA position 23, G replaced by C.
Protein change: p.Cys8Ser; replaces cysteine 8 with serine.
Molecular consequence: missense variant.
Genome position (GRCh38, 1-based): chr12:13,866,186, C>G on the plus strand (G>C on the coding strand, the complement: GRIN2B is on the minus strand). VCF-style: chr12-13866186-C-G. GRCh37 (hg19) VCF-style: chr12-14019120-C-G.
Other names: short protein forms C8S.
Identifiers: ClinVar variation 411112 (VCV000411112.12), dbSNP rs1060503160, ClinGen allele CA16613940.

ClinVar aggregate classification (germline): Uncertain significance (1 of 4 stars; one submission).

Conditions:
Intellectual developmental disorder, autosomal dominant 6, with or without seizures. Also called: GRIN2B-related developmental delay, intellectual disability and autism spectrum disorder; Intellectual disability, autosomal dominant 6. Identifiers: Orphanet 589547, MedGen C3151411, MONDO:0013509, OMIM 613970.
Developmental and epileptic encephalopathy, 27 (DEE27). Also called: Epileptic encephalopathy, early infantile, 27; GRIN2B-Related Neurodevelopmental Disorder. Identifiers: Orphanet 3451, MedGen C4015316, MONDO:0014505, OMIM 616139.

Submission:

Labcorp Genetics (formerly Invitae), Labcorp
Classification: Uncertain significance for Developmental and epileptic encephalopathy, 27; Intellectual developmental disorder, autosomal dominant 6, with or without seizures. Last evaluated: 2018-09-01. Review status: criteria provided, single submitter. Criteria: Invitae Variant Classification Sherloc (09022015). Collection method: clinical testing. Allele origin: germline.
Comment: This sequence change replaces cysteine with serine at codon 8 of the GRIN2B protein (p.Cys8Ser). The cysteine residue is moderately conserved and there is a moderate physicochemical difference between cysteine and serine. This variant is not present in population databases (ExAC no frequency) and has not been reported in the literature in individuals with a GRIN2B-related disease. Algorithms developed to predict the effect of missense changes on protein structure and function (SIFT, PolyPhen-2, Align-GVGD) all suggest that this variant is likely to be tolerated, but these predictions have not been confirmed by published functional studies. In summary, this variant is a novel missense change that is not predicted to affect protein function. There is no indication that it causes disease, but the available evidence is currently insufficient to prove that conclusively. Therefore, it has been classified as a Variant of Uncertain Significance.